The following is an entry in ClinVar:

NM_001367949.2(FAT3):c.11057G>A (p.Arg3686His)

Gene: FAT3 (FAT atypical cadherin 3; plus strand). Cytogenetic location: 11q14.3.
Variant type: single nucleotide variant.
Coding change: c.11057G>A on transcript NM_001367949.2 (MANE Select); coding-DNA position 11057, G replaced by A.
Protein change: p.Arg3686His; replaces arginine 3686 with histidine.
Molecular consequence: missense variant.
Genome position (GRCh38, 1-based): chr11:92,844,424, G>A. VCF-style: chr11-92844424-G-A. GRCh37 (hg19) VCF-style: chr11-92577590-G-A.
Other names: c.11057G>A, p.Arg3686His (NM_001008781.3); c.11057G>A (NM_001008781.2); short protein forms R3686H.
Identifiers: ClinVar variation 2642283 (VCV002642283.25), dbSNP rs138237129, ClinGen allele CA6228246.

ClinVar aggregate classification (germline): Likely benign. Review status: criteria provided, single submitter (1 of 4 stars). 2 submissions from 2 submitters: Likely benign (1). 1 of the submissions does not count toward it. Last evaluated 2025-01-01.

Conditions:
FAT3-related disorder. Also called: FAT3-related condition.

Allele frequency attached by ClinVar (database versions not stated): ESP Exome Variant Server 0.00085; gnomAD exomes 0.00100; ExAC 0.00167; 1000 Genomes Project 30x 0.00172; 1000 Genomes Project 0.00220.
gnomAD v4.1: 1,597 of 1,613,966 alleles (0.099%); highest among the groups gnomAD compares: Middle Eastern, 0.63%; 7 homozygotes.

Submissions (2):

CeGaT Center for Human Genetics Tuebingen
Classification: Likely benign. Last evaluated: 2025-01-01. Review status: criteria provided, single submitter. Criteria: CeGaT Center For Human Genetics Tuebingen Variant Classification Criteria Version 2. Collection method: clinical testing. Allele origin: germline. Affected: yes. Observed: 4 variant alleles.
Comment: FAT3: BP4

PreventionGenetics, part of Exact Sciences
Classification: Likely benign for FAT3-related condition. Last evaluated: 2019-05-11. Review status: no assertion criteria provided. Collection method: clinical testing. Allele origin: germline. Not counted in ClinVar's aggregate classification.
Comment: This variant is classified as likely benign based on ACMG/AMP sequence variant interpretation guidelines (Richards et al. 2015 PMID: 25741868, with internal and published modifications).